The following is an entry in ClinVar:

NM_000501.4(ELN):c.164C>T (p.Ala55Val)

Gene: ELN (elastin; plus strand). Cytogenetic location: 7q11.23.
Variant type: single nucleotide variant.
Coding change: c.164C>T on transcript NM_000501.4 (MANE Select); coding-DNA position 164, C replaced by T.
Protein change: p.Ala55Val; replaces alanine 55 with valine.
Molecular consequence: missense variant.
Genome position (GRCh38, 1-based): chr7:74,037,707, C>T. VCF-style: chr7-74037707-C-T. GRCh37 (hg19) VCF-style: chr7-73452037-C-T.
Other names: c.134C>T, p.Ala45Val (NM_001081752.3, NM_001278914.2, NM_001278917.2 and 1 more transcripts); c.164C>T, p.Ala55Val (NM_001081753.3, NM_001081754.3, NM_001081755.3 and 5 more transcripts); short protein forms A55V, A45V.
Identifiers: ClinVar variation 640369 (VCV000640369.8), dbSNP rs1411248717, ClinGen allele CA367868983.

ClinVar aggregate classification (germline): Uncertain significance (1 of 4 stars; one submission).

Conditions:
Supravalvar aortic stenosis (SVAS). Also called: Supravalvar aortic stenosis, Eisenberg type. Identifiers: Orphanet 3193, MedGen C0003499, MONDO:0008504, OMIM 185500, HP:0004381.

Allele frequency attached by ClinVar (database versions not stated): gnomAD exomes 0.00001 and 0.00002; TOPMed 0.00001.
gnomAD v4.1: 17 of 1,612,154 alleles (0.0011%); highest among the groups gnomAD compares: East Asian, 0.02%; no homozygotes.

Submission:

Labcorp Genetics (formerly Invitae), Labcorp
Classification: Uncertain significance for Supravalvar aortic stenosis. Last evaluated: 2018-09-13. Review status: criteria provided, single submitter. Criteria: Invitae Variant Classification Sherloc (09022015). Collection method: clinical testing. Allele origin: germline.
Comment: This sequence change replaces alanine with valine at codon 55 of the ELN protein (p.Ala55Val). The alanine residue is moderately conserved and there is a small physicochemical difference between alanine and valine. This variant is not present in population databases (ExAC no frequency). In summary, the available evidence is currently insufficient to determine the role of this variant in disease. Therefore, it has been classified as a Variant of Uncertain Significance. Algorithms developed to predict the effect of missense changes on protein structure and function are either unavailable or do not agree on the potential impact of this missense change (SIFT: "Tolerated"; PolyPhen-2: "Not available"; Align-GVGD: "Class C0"). This variant has been observed in an individual with acquired cutis laxa (PMID: 16374472).

Literature cited by the submitters: PubMed 16374472.